The following is an entry in ClinVar:

ClinVar aggregate classification (germline): Benign. Review status: criteria provided, multiple submitters, no conflicts (2 of 4 stars). 2 submissions from 2 submitters: Benign (2). Last evaluated 2018-01-12.

Conditions:
Nail-patella syndrome (NPS). Also called: FONG DISEASE; ONYCHOOSTEODYSPLASIA; TURNER-KIESER SYNDROME. Identifiers: Orphanet 2614, MedGen C0027341, MONDO:0008061, OMIM 161200.

Allele frequency attached by ClinVar (database versions not stated): gnomAD exomes 0.47619; 1000 Genomes Project 0.49700; 1000 Genomes Project 30x 0.50671; gnomAD 0.54582 and 0.55594; TOPMed 0.54796.
gnomAD v4.1: 83,036 of 152,168 alleles (55%); highest among the groups gnomAD compares: African/African-American, 72%; 23,775 homozygotes.

Submissions (2):

Illumina Laboratory Services, Illumina
Classification: Benign for Nail-patella syndrome. Last evaluated: 2018-01-12. Review status: criteria provided, single submitter. Criteria: ICSL Variant Classification Criteria 13 December 2019. Collection method: clinical testing. Allele origin: germline.
Comment: This variant was observed in the ICSL laboratory as part of a predisposition screen in an ostensibly healthy population. It had not been previously curated by ICSL or reported in the Human Gene Mutation Database (HGMD: prior to June 1st, 2018), and was therefore a candidate for classification through an automated scoring system. Utilizing variant allele frequency, disease prevalence and penetrance estimates, and inheritance mode, an automated score was calculated to assess if this variant is too frequent to cause the disease. Based on the score and internal cut-off values, a variant classified as benign is not then subjected to further curation. The score for this variant resulted in a classification of benign for this disease.

Breakthrough Genomics
Classification: Benign. Review status: criteria provided, single submitter. Criteria: ACMG Guidelines, 2015. Collection method: not provided. Allele origin: germline. Inheritance: Autosomal dominant inheritance. Affected: yes.

NM_001174147.2(LMX1B):c.*2184A>G

Gene: LMX1B (LIM homeobox transcription factor 1 beta; plus strand). Cytogenetic location: 9q33.3.
Variant type: single nucleotide variant.
Coding change: c.*2184A>G on transcript NM_001174147.2 (MANE Select); 2184 bases downstream of the stop codon, A replaced by G.
Molecular consequence: 3 prime UTR variant.
Genome position (GRCh38, 1-based): chr9:126,698,635, A>G. VCF-style: chr9-126698635-A-G. GRCh37 (hg19) VCF-style: chr9-129460914-A-G.
Other names: c.*2184A>G (NM_001174146.2, NM_002316.4).
Identifiers: ClinVar variation 364952 (VCV000364952.6), dbSNP rs10733682, ClinGen allele CA10628946.